The following is an entry in ClinVar:

ClinVar aggregate classification (germline): Pathogenic. Review status: criteria provided, multiple submitters, no conflicts (2 of 4 stars). 2 submissions from 2 submitters: Pathogenic (2). Last evaluated 2024-01-24.

Conditions:
Ataxia-telangiectasia syndrome (AT). Also called: Ataxia-telangiectasia, complementation group E; LOUIS-BAR SYNDROME; Ataxia-telangiectasia, complementation group D; AT, COMPLEMENTATION GROUP C; Ataxia-telangiectasia; Cerebello-oculocutaneous telangiectasia. Identifiers: Orphanet 100, MedGen C0004135, MONDO:0008840, OMIM 208900.
Familial cancer of breast. Also called: hereditary breast carcinoma; BREAST CANCER, FAMILIAL; Hereditary breast cancer. Identifiers: Orphanet 227535, MedGen C0346153, MONDO:0016419, OMIM 114480. Disease mechanism: loss of function.

Submissions (2):

Myriad Genetics, Inc.
Classification: Pathogenic for Familial cancer of breast. Last evaluated: 2024-01-24. Review status: criteria provided, single submitter. Criteria: Myriad Autosomal Dominant, Autosomal Recessive and X-Linked Classification Criteria (2023). Collection method: clinical testing. Allele origin: unknown.
Comment: This variant is considered pathogenic. This variant creates a frameshift predicted to result in premature protein truncation.

Labcorp Genetics (formerly Invitae), Labcorp
Classification: Pathogenic for Ataxia-telangiectasia syndrome. Last evaluated: 2020-12-27. Review status: criteria provided, single submitter. Criteria: Invitae Variant Classification Sherloc (09022015). Collection method: clinical testing. Allele origin: germline.
Comment: This sequence change creates a premature translational stop signal (p.Ser1601Lysfs*4) in the ATM gene. It is expected to result in an absent or disrupted protein product. Loss-of-function variants in ATM are known to be pathogenic (PMID: 23807571, 25614872). This variant is not present in population databases (ExAC no frequency). This variant has not been reported in the literature in individuals with ATM-related conditions. For these reasons, this variant has been classified as Pathogenic.

Literature cited by the submitters: PubMed 23807571 (cited by Labcorp Genetics (formerly Invitae), Labcorp); PubMed 25614872 (cited by Labcorp Genetics (formerly Invitae), Labcorp).

NM_000051.4(ATM):c.4799dup (p.Ser1601fs)

Gene: ATM (ATM serine/threonine kinase; plus strand). Cytogenetic location: 11q22.3.
Variant type: Duplication.
Coding change: c.4799dup on transcript NM_000051.4 (MANE Select); coding-DNA position 4799, one base duplicated (T; older notation c.4799dupT).
Protein change: p.Ser1601fs; shifts the reading frame from serine 1601.
Molecular consequence: frameshift variant.
Genome position (GRCh38, 1-based): chr11:108,294,949, T duplicated. VCF-style (leftmost placement, unchanged base first): chr11-108294948-G-GT. GRCh37 (hg19) VCF-style: chr11-108165675-G-GT.
Other names: c.4799dup, p.Ser1601fs (NM_001351834.2); short protein forms S1601fs.
Identifiers: ClinVar variation 1455892 (VCV001455892.7), dbSNP rs2135834235, ClinGen allele CA2573146721.
Genomic context (GRCh38, chr11:108,294,948, plus strand): 5'-CCAATACGTGTTAAAAGCAAGTTACATTTTCTCTTTTAGGAAATTAACCATTTTCTCTCA[G>GT]TAAGTGTTTATGATGCACTTCCATTGACAAGACTTGAAGGACTAAAGGATCTTCGAAGAC-3'